The following is an entry in ClinVar:

NM_001080449.3(DNA2):c.1649A>G (p.Asn550Ser)

Gene: DNA2 (DNA replication helicase/nuclease 2; minus strand). Cytogenetic location: 10q21.3.
Variant type: single nucleotide variant.
Coding change: c.1649A>G on transcript NM_001080449.3 (MANE Select); coding-DNA position 1649, A replaced by G.
Protein change: p.Asn550Ser; replaces asparagine 550 with serine.
Molecular consequence: missense variant. On other transcripts: non-coding transcript variant (1).
Genome position (GRCh38, 1-based): chr10:68,432,508, T>C on the plus strand (A>G on the coding strand, the complement: DNA2 is on the minus strand). VCF-style: chr10-68432508-T-C. GRCh37 (hg19) VCF-style: chr10-70192265-T-C.
Other names: short protein forms N550S.
Identifiers: ClinVar variation 385006 (VCV000385006.18), dbSNP rs141731085, ClinGen allele CA5525011.
Genomic context (GRCh38, chr10:68,432,508, plus strand): 5'-TCACAATTTTTTTCTTCTTGGTCTAATCTGAACAAAGTTGATTCTGGAAGGACCGACAAG[T>C]TTCTAAAACAACAAAACAAATATACATGAATGCTCGCCATTTCGCATAGTCTGTATAAGA-3'
Protein context (NP_001073918.2, residues 540-560): MTTVTCLLDR[Asn550Ser]LSVLPESTLF

ClinVar aggregate classification (germline): Benign/Likely benign. Review status: criteria provided, multiple submitters, no conflicts (2 of 4 stars). 5 submissions from 5 submitters: Benign (3); Likely benign (1). 1 of the submissions does not count toward it. Last evaluated 2026-01-28.

Conditions:
DNA2-related disorder. Also called: DNA2-related condition.
Mitochondrial DNA deletion syndrome with progressive myopathy. Also called: Progressive external ophthalmoplegia with mitochondrial DNA deletions, autosomal dominant 6; PROGRESSIVE EXTERNAL OPHTHALMOPLEGIA, AUTOSOMAL DOMINANT 6. Identifiers: Orphanet 352470, MedGen C3554599, MONDO:0014062, OMIM 615156.
Seckel syndrome 8 (SCKL8). Identifiers: Orphanet 808, MedGen C3891452, MONDO:0014350, OMIM 615807.

Allele frequency attached by ClinVar (database versions not stated): gnomAD exomes 0.00062 and 0.00164; ExAC 0.00348; 1000 Genomes Project 30x 0.00609; 1000 Genomes Project 0.00619; ESP Exome Variant Server 0.00660; gnomAD 0.00667 and 0.00726; TOPMed 0.00742.
gnomAD v4.1: 1,913 of 1,523,080 alleles (0.13%); highest among the groups gnomAD compares: African/African-American, 2.4%; 21 homozygotes.

Submissions (19):

Labcorp Genetics (formerly Invitae), Labcorp
Classification: Benign. Last evaluated: 2026-01-28. Review status: criteria provided, single submitter. Criteria: Invitae Variant Classification Sherloc (09022015). Collection method: clinical testing. Allele origin: germline.

Fulgent Genetics
Classification: Likely benign for Mitochondrial DNA deletion syndrome with progressive myopathy; Seckel syndrome 8. Last evaluated: 2022-05-27. Review status: criteria provided, single submitter. Criteria: ACMG Guidelines, 2015. Collection method: clinical testing. Allele origin: unknown.

GeneDx
Classification: Benign. Last evaluated: 2018-04-06. Review status: criteria provided, single submitter. Criteria: GeneDx Variant Classification Process June 2021. Collection method: clinical testing. Allele origin: germline. Affected: yes.

Breakthrough Genomics
Classification: Benign. Review status: criteria provided, single submitter. Criteria: ACMG Guidelines, 2015. Collection method: not provided. Allele origin: germline. Inheritance: Autosomal recessive inheritance. Affected: yes.

PreventionGenetics, part of Exact Sciences
Classification: Benign for DNA2-related condition. Last evaluated: 2019-06-14. Review status: no assertion criteria provided. Collection method: clinical testing. Allele origin: germline. Not counted in ClinVar's aggregate classification.
Comment: This variant is classified as benign based on ACMG/AMP sequence variant interpretation guidelines (Richards et al. 2015 PMID: 25741868, with internal and published modifications).

Dr. Peter K. Rogan Lab, Western University
No classification provided (evidence only). Condition: Malignant tumor of urinary bladder. Review status: no classification provided. Collection method: in vitro. Allele origin: not applicable. Functional consequence: retained intron. Not counted in ClinVar's aggregate classification.

Dr. Peter K. Rogan Lab, Western University
No classification provided (evidence only). Condition: Clear cell carcinoma of kidney. Review status: no classification provided. Collection method: in vitro. Allele origin: not applicable. Functional consequence: retained intron. Not counted in ClinVar's aggregate classification.

Dr. Peter K. Rogan Lab, Western University
No classification provided (evidence only). Condition: Familial cancer of breast. Review status: no classification provided. Collection method: in vitro. Allele origin: not applicable. Functional consequence: retained intron. Not counted in ClinVar's aggregate classification.

Dr. Peter K. Rogan Lab, Western University
No classification provided (evidence only). Condition: Acute myeloid leukemia. Review status: no classification provided. Collection method: in vitro. Allele origin: not applicable. Functional consequence: retained intron. Not counted in ClinVar's aggregate classification.

Dr. Peter K. Rogan Lab, Western University
No classification provided (evidence only). Condition: Acute myeloid leukemia. Review status: no classification provided. Collection method: in vitro. Allele origin: not applicable. Functional consequence: retained intron. Not counted in ClinVar's aggregate classification.

Dr. Peter K. Rogan Lab, Western University
No classification provided (evidence only). Condition: Thyroid cancer, nonmedullary, 1. Review status: no classification provided. Collection method: in vitro. Allele origin: not applicable. Functional consequence: retained intron. Not counted in ClinVar's aggregate classification.

Dr. Peter K. Rogan Lab, Western University
No classification provided (evidence only). Condition: Thyroid cancer, nonmedullary, 1. Review status: no classification provided. Collection method: in vitro. Allele origin: not applicable. Functional consequence: retained intron. Not counted in ClinVar's aggregate classification.

Dr. Peter K. Rogan Lab, Western University
No classification provided (evidence only). Condition: Uterine corpus endometrial carcinoma. Review status: no classification provided. Collection method: in vitro. Allele origin: not applicable. Functional consequence: retained intron. Not counted in ClinVar's aggregate classification.

Dr. Peter K. Rogan Lab, Western University
No classification provided (evidence only). Condition: Uterine corpus endometrial carcinoma. Review status: no classification provided. Collection method: in vitro. Allele origin: not applicable. Functional consequence: retained intron. Not counted in ClinVar's aggregate classification.

Dr. Peter K. Rogan Lab, Western University
No classification provided (evidence only). Condition: Cervical cancer. Review status: no classification provided. Collection method: in vitro. Allele origin: not applicable. Functional consequence: retained intron. Not counted in ClinVar's aggregate classification.

Dr. Peter K. Rogan Lab, Western University
No classification provided (evidence only). Condition: Cervical cancer. Review status: no classification provided. Collection method: in vitro. Allele origin: not applicable. Functional consequence: retained intron. Not counted in ClinVar's aggregate classification.

Dr. Peter K. Rogan Lab, Western University
No classification provided (evidence only). Condition: Ovarian serous cystadenocarcinoma. Review status: no classification provided. Collection method: in vitro. Allele origin: not applicable. Functional consequence: retained intron. Not counted in ClinVar's aggregate classification.

Dr. Peter K. Rogan Lab, Western University
No classification provided (evidence only). Condition: Ovarian serous cystadenocarcinoma. Review status: no classification provided. Collection method: in vitro. Allele origin: not applicable. Functional consequence: retained intron. Not counted in ClinVar's aggregate classification.

Dr. Peter K. Rogan Lab, Western University
No classification provided (evidence only). Condition: Uterine carcinosarcoma. Review status: no classification provided. Collection method: in vitro. Allele origin: not applicable. Functional consequence: retained intron. Not counted in ClinVar's aggregate classification.